The following is an entry in ClinVar:

NM_000843.4(GRM6):c.2611G>A (p.Glu871Lys)

Genes: GRM6 (glutamate metabotropic receptor 6; minus strand), ZNF454 (zinc finger protein 454; plus strand). Cytogenetic location: 5q35.3.
Variant type: single nucleotide variant.
Coding change: c.2611G>A on transcript NM_000843.4 (MANE Select); coding-DNA position 2611, G replaced by A.
Protein change: p.Glu871Lys; replaces glutamic acid 871 with lysine.
Molecular consequence: missense variant.
Genome position (GRCh38, 1-based): chr5:178,981,680, C>T on the plus strand (G>A on the coding strand, the complement: GRM6 is on the minus strand). VCF-style: chr5-178981680-C-T. GRCh37 (hg19) VCF-style: chr5-178408681-C-T.
Other names: short protein forms E871K.
Identifiers: ClinVar variation 854338 (VCV000854338.7), dbSNP rs150479026, ClinGen allele CA3593492.

ClinVar aggregate classification (germline): Uncertain significance (1 of 4 stars; one submission).

Allele frequency attached by ClinVar (database versions not stated): ExAC 0.00001; TOPMed 0.00002; ESP Exome Variant Server 0.00008; gnomAD 0.00001.
gnomAD v4.1: 73 of 1,613,838 alleles (0.0045%); highest among the groups gnomAD compares: East Asian, 0.0067%; no homozygotes.

Submission:

Labcorp Genetics (formerly Invitae), Labcorp
Classification: Uncertain significance. Last evaluated: 2023-07-10. Review status: criteria provided, single submitter. Criteria: Invitae Variant Classification Sherloc (09022015). Collection method: clinical testing. Allele origin: germline.
Comment: This sequence change replaces glutamic acid, which is acidic and polar, with lysine, which is basic and polar, at codon 871 of the GRM6 protein (p.Glu871Lys). This variant is present in population databases (rs150479026, gnomAD 0.002%). This variant has not been reported in the literature in individuals affected with GRM6-related conditions. ClinVar contains an entry for this variant (Variation ID: 854338). Advanced modeling of protein sequence and biophysical properties (such as structural, functional, and spatial information, amino acid conservation, physicochemical variation, residue mobility, and thermodynamic stability) performed at Invitae indicates that this missense variant is not expected to disrupt GRM6 protein function. In summary, the available evidence is currently insufficient to determine the role of this variant in disease. Therefore, it has been classified as a Variant of Uncertain Significance.